The following is an entry in ClinVar:

NM_000038.6(APC):c.2677G>T (p.Glu893Ter)

Gene: APC (APC regulator of Wnt signaling pathway; plus strand). Cytogenetic location: 5q22.2.
Variant type: single nucleotide variant.
Coding change: c.2677G>T on transcript NM_000038.6 (MANE Select); coding-DNA position 2677, G replaced by T.
Protein change: p.Glu893Ter; replaces glutamic acid 893 with a stop codon.
Molecular consequence: nonsense.
Genome position (GRCh38, 1-based): chr5:112,838,271, G>T. VCF-style: chr5-112838271-G-T. GRCh37 (hg19) VCF-style: chr5-112173968-G-T.
Other names: c.2677G>T, p.Glu893Ter (NM_001127510.3, NM_001354895.2); c.2623G>T, p.Glu875Ter (NM_001127511.3); c.2731G>T, p.Glu911Ter (NM_001354896.2); c.2707G>T, p.Glu903Ter (NM_001354897.2); c.2602G>T, p.Glu868Ter (NM_001354898.2); c.2593G>T, p.Glu865Ter (NM_001354899.2); c.2554G>T, p.Glu852Ter (NM_001354900.2); c.2500G>T, p.Glu834Ter (NM_001354901.2); and 5 more; short protein forms E875*, E893*, E834*, E868*, E802*, E865*, E733*, E767*.
Identifiers: ClinVar variation 419997 (VCV000419997.23), dbSNP rs199740875, ClinGen allele CA16027177.

ClinVar aggregate classification (germline): Pathogenic/Likely pathogenic. Review status: criteria provided, multiple submitters, no conflicts (2 of 4 stars). 10 submissions from 10 submitters: Pathogenic (6); Likely pathogenic (1). 3 of the submissions do not count toward it. Last evaluated 2023-05-05.

Conditions:
Hereditary cancer-predisposing syndrome. Also called: Hereditary neoplastic syndrome; Hereditary Cancer Syndrome; Tumor predisposition; Neoplastic Syndromes, Hereditary. Identifiers: Orphanet 140162, MedGen C0027672, MeSH D009386, MONDO:0015356.
Familial adenomatous polyposis 1 (FAP1). Also called: FAMILIAL ADENOMATOUS POLYPOSIS 1, ATTENUATED; POLYPOSIS, ADENOMATOUS INTESTINAL. Identifiers: MedGen C2713442, MONDO:0021056, OMIM 175100. Disease mechanism: loss of function.
Carcinoma of colon (CRC). Also called: Colon carcinoma; Colonic carcinoma. Identifiers: MedGen C0699790, MONDO:0002032.

gnomAD v4.1: 1 of 1,614,218 alleles (0.000062%); no homozygotes.

Submissions (10):

Myriad Genetics, Inc.
Classification: Pathogenic for Familial adenomatous polyposis 1. Last evaluated: 2023-05-05. Review status: criteria provided, single submitter. Criteria: Myriad Autosomal Dominant, Autosomal Recessive and X-Linked Classification Criteria (2023). Collection method: clinical testing. Allele origin: unknown.
Comment: This variant is considered pathogenic. This variant creates a termination codon and is predicted to result in premature protein truncation.

Quest Diagnostics Nichols Institute San Juan Capistrano
Classification: Pathogenic. Last evaluated: 2023-02-07. Review status: criteria provided, single submitter. Criteria: Quest Diagnostics criteria. Collection method: clinical testing. Allele origin: unknown.
Comment: This nonsense variant causes the premature termination of APC protein synthesis. This variant has not been reported in large, multi-ethnic general populations. In the published literature, the variant has been reported in individuals and families with familial adenomatous polyposis (FAP) (PMIDs: 20685668 (2010), 19444466 (2009), 11748858 (2001)). Based on the available information, this variant is classified as pathogenic.

Labcorp Genetics (formerly Invitae), Labcorp
Classification: Pathogenic for Familial adenomatous polyposis 1. Last evaluated: 2021-09-29. Review status: criteria provided, single submitter. Criteria: Invitae Variant Classification Sherloc (09022015). Collection method: clinical testing. Allele origin: germline.
Comment: A different truncation (p.Tyr2645Lysfs*14) that lies downstream of this variant has been determined to be pathogenic (PMID: 9824584, 1316610, 27081525, 8381579, 22135120, Invitae). This suggests that deletion of this region of the APC protein is causative of disease. This variant is expected to disrupt the EB1 and HDLG binding sites, which mediate interactions with the cytoskeleton (PMID: 15311282, 17293347). While functional studies have not been performed to directly test the effect on APC protein function, this suggests that disruption of the C-terminal portion of the protein is functionally important. For these reasons, this variant has been classified as Pathogenic. ClinVar contains an entry for this variant (Variation ID: 419997). This premature translational stop signal has been observed in individual(s) with familial adenomatous polyposis (PMID: 11748858, 19444466, 20685668). This variant is not present in population databases (ExAC no frequency). This sequence change creates a premature translational stop signal (p.Glu893*) in the APC gene. While this is not anticipated to result in nonsense mediated decay, it is expected to disrupt the last 1951 amino acid(s) of the APC protein.

Color Diagnostics, LLC DBA Color Health
Classification: Pathogenic for Hereditary cancer-predisposing syndrome. Last evaluated: 2020-01-14. Review status: criteria provided, single submitter. Criteria: ACMG Guidelines, 2015. Collection method: clinical testing. Allele origin: germline.
Comment: This variant changes 1 nucleotide in exon 16 of the APC gene, creating a premature translation stop signal. This variant is expected to result in an absent or non-functional protein product. This variant has not been identified in the general population by the Genome Aggregation Database (gnomAD). Loss of APC function is a known mechanism of disease. Based on the available evidence, this variant is classified as Pathogenic.

Clinical Genetics and Genomics, Karolinska University Hospital
Classification: Pathogenic. Last evaluated: 2020-01-02. Review status: criteria provided, single submitter. Criteria: ACMG Guidelines, 2015. Collection method: clinical testing. Allele origin: germline. Affected: yes. Observed: 1 variant allele.

GeneDx
Classification: Pathogenic. Last evaluated: 2016-12-01. Review status: criteria provided, single submitter. Criteria: GeneDx Variant Classification (06012015). Collection method: clinical testing. Allele origin: germline. Affected: yes.
Comment: This variant is denoted APC c.2677G>T at the cDNA level and p.Glu893Ter (E893X) at the protein level. The substitution creates a nonsense variant, which changes a Glutamic Acid to a premature stop codon (GAA>TAA). This variant is predicted to cause loss of normal protein function through protein truncation. This variant has been reported in individuals with Familial Adenomatous Polyposis and is considered pathogenic (Hutter 2001, Kohda 2016).

Juno Genomics, Hangzhou Juno Genomics, Inc
Classification: Likely pathogenic for Familial adenomatous polyposis 1. Review status: criteria provided, single submitter. Criteria: ACMG Guidelines, 2015. Collection method: clinical testing. Allele origin: germline. Affected: yes.
Comment: Null variant in a gene where loss of function (LOF) is a known mechanism of disease.;Absent from controls (or at extremely low frequency if recessive) in Genome Aggregation Database, Exome Sequencing Project, 1000 Genomes Project, or Exome Aggregation Consortium.;The prevalence of the variant in affected individuals is significantly increased compared to the prevalence in controls.;Patient's phenotype or family history is highly specific for a disease with a single genetic etiology.

Bioscientia Institut fuer Medizinische Diagnostik GmbH, Sonic Healthcare
Classification: Pathogenic for Familial adenomatous polyposis 1. Last evaluated: 2018-10-19. Review status: no assertion criteria provided. Collection method: clinical testing. Allele origin: germline. Affected: yes. Not counted in ClinVar's aggregate classification.

Department of Pathology and Laboratory Medicine, Sinai Health System
Classification: Pathogenic for Carcinoma of colon. Review status: no assertion criteria provided. Collection method: clinical testing. Allele origin: unknown. Affected: yes. Observed: 1 variant allele. Study: The Canadian Open Genetics Repository (COGR). Not counted in ClinVar's aggregate classification.
Comment: The APC p.Glu893X variant was identified in 4 of 122 proband chromosomes (frequency: 0.03) from individuals or families with colorectal cancer (Hutter 2001, Zauber 2014). The variant was also identified in HGMD, â€šÃ„ÃºInSiGHT Colon Cancer Databaseâ€šÃ„Ã¹, and UMD (5X as an unclassified variant). Of note, this variant occurs in the last exon of the gene and truncating variants in this region are sometimes not subject to nonsense mediated RNA decay, although further study would be needed to verify this. The p.Glu893X variant leads to a premature stop codon at position 893, which is predicted to lead to a truncated or absent protein and loss of function. Loss of function variants of the APC gene are an established mechanism of disease in familial adenomatous polyposis and is the type of variant expected to cause the disorder. In summary, based on the above information, this variant meets our laboratoryâ€šÃ„Ã´s criteria to be classified as pathogenic.

Mayo Clinic Laboratories, Mayo Clinic
Classification: Pathogenic. Review status: no assertion criteria provided. Collection method: clinical testing. Allele origin: unknown. Not counted in ClinVar's aggregate classification.

Literature cited by the submitters: PubMed 20685668 (cited by Quest Diagnostics Nichols Institute San Juan Capistrano and Labcorp Genetics (formerly Invitae), Labcorp); PubMed 19444466 (cited by Quest Diagnostics Nichols Institute San Juan Capistrano and Labcorp Genetics (formerly Invitae), Labcorp); PubMed 11748858 (cited by Quest Diagnostics Nichols Institute San Juan Capistrano and Labcorp Genetics (formerly Invitae), Labcorp); PubMed 9824584 (cited by Labcorp Genetics (formerly Invitae), Labcorp); PubMed 1316610 (cited by Labcorp Genetics (formerly Invitae), Labcorp); PubMed 27081525 (cited by Labcorp Genetics (formerly Invitae), Labcorp); PubMed 8381579 (cited by Labcorp Genetics (formerly Invitae), Labcorp); PubMed 22135120 (cited by Labcorp Genetics (formerly Invitae), Labcorp); PubMed 15311282 (cited by Labcorp Genetics (formerly Invitae), Labcorp); PubMed 17293347 (cited by Labcorp Genetics (formerly Invitae), Labcorp).